The following is an entry in ClinVar:

ClinVar aggregate classification (germline): Likely benign (0 of 4 stars; one submission).

Conditions:
TOP6BL-related disorder. Also called: TOP6BL-related condition.

Submission:

PreventionGenetics, part of Exact Sciences
Classification: Likely benign for TOP6BL-related condition. Last evaluated: 2019-02-22. Review status: no assertion criteria provided. Collection method: clinical testing. Allele origin: germline.
Comment: This variant is classified as likely benign based on ACMG/AMP sequence variant interpretation guidelines (Richards et al. 2015 PMID: 25741868, with internal and published modifications).

NM_001302084.2(TOP6BL):c.-29-2696del

Gene: TOP6BL (TOP6B like initiator of meiotic double strand breaks; plus strand). Cytogenetic location: 11q13.2.
Variant type: Deletion.
Coding change: c.-29-2696del on transcript NM_001302084.2 (MANE Select); 2696 bases into the intron before 29 bases upstream of the start codon, one base deleted (T; older notation c.-29-2696delT).
Molecular consequence: intron variant.
Genome position (GRCh38, 1-based): chr11:66,756,347, T deleted; the last of 10 consecutive T bases (chr11:66,756,338-66,756,347); deleting any one gives the same sequence. VCF-style (leftmost placement, unchanged base first): chr11-66756337-CT-C. GRCh37 (hg19) VCF-style: chr11-66523808-CT-C.
Other names: c.317-6delT (NM_024650.3); c.170-6del (NM_024650.4).
Identifiers: ClinVar variation 3055765 (VCV003055765.2), dbSNP rs538618909, ClinGen allele CA6129828.